The following is an entry in ClinVar:

ClinVar aggregate classification (germline): Conflicting classifications of pathogenicity. Review status: criteria provided, conflicting classifications (1 of 4 stars). 2 submissions from 2 submitters: Uncertain significance (1); Likely benign (1). Last evaluated 2025-04-09.

Allele frequency attached by ClinVar (database versions not stated): gnomAD exomes 0.00001; TOPMed 0.00002.
gnomAD v4.1: 16 of 1,613,846 alleles (0.00099%); highest among the groups gnomAD compares: Middle Eastern, 0.016%; no homozygotes.

Submissions (2):

Molecular Diagnostic Laboratory for Inherited Cardiovascular Disease, Montreal Heart Institute
Classification: Likely benign. Last evaluated: 2025-04-09. Review status: criteria provided, single submitter. Criteria: ACMG Guidelines, 2015. Collection method: clinical testing. Allele origin: germline. Affected: no.

CeGaT Center for Human Genetics Tuebingen
Classification: Uncertain significance. Last evaluated: 2023-12-01. Review status: criteria provided, single submitter. Criteria: CeGaT Center For Human Genetics Tuebingen Variant Classification Criteria Version 2. Collection method: clinical testing. Allele origin: germline. Affected: yes. Observed: 1 variant allele.
Comment: TTN: PM2

NM_001267550.2(TTN):c.4300C>T (p.Pro1434Ser)

Genes: TTN (titin; minus strand), LOC101927055 (uncharacterized LOC101927055; plus strand). Cytogenetic location: 2q31.2.
Variant type: single nucleotide variant.
Coding change: c.4300C>T on transcript NM_001267550.2 (MANE Select); coding-DNA position 4300, C replaced by T.
Protein change: p.Pro1434Ser; replaces proline 1434 with serine.
Molecular consequence: missense variant. On other transcripts: non-coding transcript variant (1).
Genome position (GRCh38, 1-based): chr2:178,777,884, G>A on the plus strand (C>T on the coding strand, the complement: TTN is on the minus strand). VCF-style: chr2-178777884-G-A. GRCh37 (hg19) VCF-style: chr2-179642611-G-A.
Other names: c.4300C>T, p.Pro1434Ser (NM_001256850.1, NM_133378.4, NM_133379.5); c.4162C>T, p.Pro1388Ser (NM_003319.4, NM_133432.3, NM_133437.4); short protein forms P1388S, P1434S.
Identifiers: ClinVar variation 3025676 (VCV003025676.23), dbSNP rs1049251712, ClinGen allele CA60978518.